The following is an entry in ClinVar:

ClinVar aggregate classification (germline): Uncertain significance (1 of 4 stars; one submission).

Allele frequency attached by ClinVar (database versions not stated): ExAC 0.00002; gnomAD 0.00005 and 0.00006; TOPMed 0.00006.

Submission:

Labcorp Genetics (formerly Invitae), Labcorp
Classification: Uncertain significance. Last evaluated: 2023-07-07. Review status: criteria provided, single submitter. Criteria: Invitae Variant Classification Sherloc (09022015). Collection method: clinical testing. Allele origin: germline.
Comment: This variant is present in population databases (rs201492601, gnomAD 0.06%). In summary, the available evidence is currently insufficient to determine the role of this variant in disease. Therefore, it has been classified as a Variant of Uncertain Significance. Advanced modeling of protein sequence and biophysical properties (such as structural, functional, and spatial information, amino acid conservation, physicochemical variation, residue mobility, and thermodynamic stability) performed at Invitae indicates that this missense variant is expected to disrupt VARS2 protein function. ClinVar contains an entry for this variant (Variation ID: 1398785). This variant has not been reported in the literature in individuals affected with VARS2-related conditions. This sequence change replaces arginine, which is basic and polar, with tryptophan, which is neutral and slightly polar, at codon 302 of the VARS2 protein (p.Arg302Trp).

NM_020442.6(VARS2):c.814C>T (p.Arg272Trp)

Gene: VARS2 (valyl-tRNA synthetase 2, mitochondrial; plus strand). Cytogenetic location: 6p21.33.
Variant type: single nucleotide variant.
Coding change: c.814C>T on transcript NM_020442.6 (MANE Select); coding-DNA position 814, C replaced by T.
Protein change: p.Arg272Trp; replaces arginine 272 with tryptophan.
Molecular consequence: missense variant.
Genome position (GRCh38, 1-based): chr6:30,917,165, C>T. VCF-style: chr6-30917165-C-T. GRCh37 (hg19) VCF-style: chr6-30884942-C-T.
Other names: c.394C>T, p.Arg132Trp (NM_001167733.3); c.904C>T, p.Arg302Trp (NM_001167734.2); short protein forms R132W, R302W, R272W.
Identifiers: ClinVar variation 1398785 (VCV001398785.4), dbSNP rs201492601, ClinGen allele CA3705740.